The following is an entry in ClinVar:

NM_005045.4(RELN):c.10100A>G (p.Asn3367Ser)

Genes: RELN (reelin; minus strand), SLC26A5-AS1 (SLC26A5 antisense RNA 1; plus strand). Cytogenetic location: 7q22.1.
Variant type: single nucleotide variant.
Coding change: c.10100A>G on transcript NM_005045.4 (MANE Select); coding-DNA position 10100, A replaced by G.
Protein change: p.Asn3367Ser; replaces asparagine 3367 with serine.
Molecular consequence: missense variant.
Genome position (GRCh38, 1-based): chr7:103,483,734, T>C on the plus strand (A>G on the coding strand, the complement: RELN is on the minus strand). VCF-style: chr7-103483734-T-C. GRCh37 (hg19) VCF-style: chr7-103124181-T-C.
Other names: c.10100A>G, p.Asn3367Ser (NM_173054.3); short protein forms N3367S.
Identifiers: ClinVar variation 2921772 (VCV002921772.3), dbSNP rs778715195, ClinGen allele CA4420053.

ClinVar aggregate classification (germline): Uncertain significance (1 of 4 stars; one submission).

Conditions:
Norman-Roberts syndrome (LIS2). Also called: Lissencephaly 2 (Norman-Roberts type). Identifiers: Orphanet 89844, MedGen C0796089, MONDO:0009760, OMIM 257320.
Familial temporal lobe epilepsy 7. Identifiers: Orphanet 101046, MedGen C4225327, MONDO:0014639, OMIM 616436.

Allele frequency attached by ClinVar (database versions not stated): gnomAD exomes below 0.00001; TOPMed below 0.00001; ExAC 0.00001.
gnomAD v4.1: 1 of 1,614,166 alleles (0.000062%); highest among the groups gnomAD compares: Non-Finnish European, 0.000085%; no homozygotes.

Submission:

Labcorp Genetics (formerly Invitae), Labcorp
Classification: Uncertain significance for Familial temporal lobe epilepsy 7; Norman-Roberts syndrome. Last evaluated: 2024-01-07. Review status: criteria provided, single submitter. Criteria: Invitae Variant Classification Sherloc (09022015). Collection method: clinical testing. Allele origin: germline.
Comment: This sequence change replaces asparagine, which is neutral and polar, with serine, which is neutral and polar, at codon 3367 of the RELN protein (p.Asn3367Ser). This variant is present in population databases (rs778715195, gnomAD 0.0009%). This variant has not been reported in the literature in individuals affected with RELN-related conditions. Advanced modeling of protein sequence and biophysical properties (such as structural, functional, and spatial information, amino acid conservation, physicochemical variation, residue mobility, and thermodynamic stability) performed at Invitae indicates that this missense variant is not expected to disrupt RELN protein function with a negative predictive value of 80%. In summary, the available evidence is currently insufficient to determine the role of this variant in disease. Therefore, it has been classified as a Variant of Uncertain Significance.